The following is an entry in ClinVar:

ClinVar aggregate classification (germline): Conflicting classifications of pathogenicity. Review status: criteria provided, conflicting classifications (1 of 4 stars). 5 submissions from 5 submitters: Uncertain significance (3); Likely benign (2). Last evaluated 2026-06-17.

Conditions:
Hereditary cancer-predisposing syndrome. Also called: Neoplastic Syndromes, Hereditary; Hereditary Cancer Syndrome; Tumor predisposition; Hereditary neoplastic syndrome. Identifiers: Orphanet 140162, MedGen C0027672, MeSH D009386, MONDO:0015356.
Cardiovascular phenotype. Identifiers: MedGen CN230736.
Neurofibromatosis, type 1 (NF1). Also called: VON RECKLINGHAUSEN DISEASE; Neurofibromatosis, type I; NEUROFIBROMATOSIS, TYPE I, SOMATIC; Peripheral type neurofibromatosis. Identifiers: Orphanet 636, MedGen C0027831, MONDO:0018975, OMIM 162200. Disease mechanism: loss of function.
NF1-related disorder. Also called: NF1-related condition. Identifiers: MedGen CN379171.

Allele frequency attached by ClinVar (database versions not stated): gnomAD exomes below 0.00001 and 0.00001; gnomAD 0.00002; ExAC 0.00001; TOPMed 0.00002.
gnomAD v4.1: 8 of 1,613,338 alleles (0.0005%); highest among the groups gnomAD compares: African/African-American, 0.0013%; no homozygotes.

Submissions (5):

Ambry Genetics
Classification: Likely benign for Cardiovascular phenotype; Hereditary cancer-predisposing syndrome. Last evaluated: 2026-06-17. Review status: criteria provided, single submitter. Criteria: Ambry Variant Classification Scheme 2023. Collection method: clinical testing. Allele origin: germline.

Labcorp Genetics (formerly Invitae), Labcorp
Classification: Likely benign for Neurofibromatosis, type 1. Last evaluated: 2025-11-12. Review status: criteria provided, single submitter. Criteria: Invitae Variant Classification Sherloc (09022015). Collection method: clinical testing. Allele origin: germline.

PreventionGenetics, part of Exact Sciences
Classification: Uncertain significance for NF1-related condition. Last evaluated: 2025-10-09. Review status: criteria provided, single submitter. Criteria: ACMG Guidelines, 2015. Collection method: clinical testing. Allele origin: germline.
Comment: The NF1 c.145T>A variant is predicted to result in the amino acid substitution p.Tyr49Asn. To our knowledge, this variant has not been reported in the literature. This variant is reported in 0.0023% of alleles in individuals of European (Non-Finnish) descent in gnomAD. At this time, the clinical significance of this variant is uncertain due to the absence of conclusive functional and genetic evidence.

GeneDx
Classification: Uncertain significance. Last evaluated: 2022-04-19. Review status: criteria provided, single submitter. Criteria: GeneDx Variant Classification Process June 2021. Collection method: clinical testing. Allele origin: germline. Affected: yes.
Comment: In silico analysis supports that this missense variant has a deleterious effect on protein structure/function; Has not been previously published as pathogenic or benign to our knowledge

Genome-Nilou Lab
Classification: Uncertain significance for Neurofibromatosis, type 1. Last evaluated: 2022-03-15. Review status: criteria provided, single submitter. Criteria: ACMG Guidelines, 2015. Collection method: clinical testing. Allele origin: germline. Affected: no.

NM_001042492.3(NF1):c.145T>A (p.Tyr49Asn)

Gene: NF1 (neurofibromin 1; plus strand). Cytogenetic location: 17q11.2.
Variant type: single nucleotide variant.
Coding change: c.145T>A on transcript NM_001042492.3 (MANE Select); coding-DNA position 145, T replaced by A.
Protein change: p.Tyr49Asn; replaces tyrosine 49 with asparagine.
Molecular consequence: missense variant.
Genome position (GRCh38, 1-based): chr17:31,156,067, T>A. VCF-style: chr17-31156067-T-A. GRCh37 (hg19) VCF-style: chr17-29483085-T-A.
Other names: c.145T>A, p.Tyr49Asn (NM_000267.4, NM_001128147.3); short protein forms Y49N.
Identifiers: ClinVar variation 404570 (VCV000404570.20), dbSNP rs764367878, ClinGen allele CA8485483.
Genomic context (GRCh38, chr17:31,156,067, plus strand): 5'-AACACACATACCAAAGTCAGTACTGAGCACAACAAGGAATGTCTAATCAATATTTCCAAA[T>A]ACAAGTTTTCTTTGGTTATAAGCGGCCTCACTACTATTTTAAAGAATGTTAACAATATGG-3'
Protein context (NP_001035957.1, residues 39-59): NKECLINISK[Tyr49Asn]KFSLVISGLT